The following is an entry in ClinVar:

NM_002615.7(SERPINF1):c.1092G>A (p.Trp364Ter)

Gene: SERPINF1 (serpin family F member 1; plus strand). Cytogenetic location: 17p13.3.
Variant type: single nucleotide variant.
Coding change: c.1092G>A on transcript NM_002615.7 (MANE Select); coding-DNA position 1092, G replaced by A.
Protein change: p.Trp364Ter; replaces tryptophan 364 with a stop codon.
Molecular consequence: nonsense.
Genome position (GRCh38, 1-based): chr17:1,777,281, G>A. VCF-style: chr17-1777281-G-A. GRCh37 (hg19) VCF-style: chr17-1680575-G-A.
Other names: c.1092G>A, p.Trp364Ter (NM_001329903.2); c.531G>A, p.Trp177Ter (NM_001329904.2, NM_001329905.2); short protein forms W177*, W364*.
Identifiers: ClinVar variation 1687552 (VCV001687552.1), dbSNP rs2151213460, ClinGen allele CA397590769.

ClinVar aggregate classification (germline): Likely pathogenic (1 of 4 stars; one submission).

Conditions:
Osteogenesis imperfecta type 6. Also called: Osteogenesis imperfecta, type VI. Identifiers: Orphanet 666, MedGen C3279564, MONDO:0013515, OMIM 613982.

Submission:

3billion
Classification: Likely pathogenic for Osteogenesis imperfecta type 6. Last evaluated: 2022-05-22. Review status: criteria provided, single submitter. Criteria: ACMG Guidelines, 2015. Collection method: clinical testing. Allele origin: germline. Affected: yes. Observed: 1 heterozygote.
Comment: The variant is not observed in the gnomAD v2.1.1 dataset. Stop-gained (nonsense): predicted to result in a loss or disruption of normal protein function through protein truncation. The predicted truncated protein may be shortened by more than 10%. The variant is in trans with NM_002615.7:c.1091G>A variant (3billion dataset). Therefore, this variant is classified as likely pathogenic according to the recommendation of ACMG/AMP guideline.